The following is an entry in ClinVar:

NM_002334.4(LRP4):c.1237G>A (p.Glu413Lys)

Gene: LRP4 (LDL receptor related protein 4; minus strand). Cytogenetic location: 11p11.2.
Variant type: single nucleotide variant.
Coding change: c.1237G>A on transcript NM_002334.4 (MANE Select); coding-DNA position 1237, G replaced by A.
Protein change: p.Glu413Lys; replaces glutamic acid 413 with lysine.
Molecular consequence: missense variant.
Genome position (GRCh38, 1-based): chr11:46,895,238, C>T on the plus strand (G>A on the coding strand, the complement: LRP4 is on the minus strand). VCF-style: chr11-46895238-C-T. GRCh37 (hg19) VCF-style: chr11-46916789-C-T.
Other names: short protein forms E413K.
Identifiers: ClinVar variation 2157373 (VCV002157373.4), dbSNP rs893448826, ClinGen allele CA221648177.

ClinVar aggregate classification (germline): Uncertain significance (1 of 4 stars; one submission).

Conditions:
Cenani-Lenz syndactyly syndrome. Also called: SYNDACTYLY, TYPE VII; CENANI SYNDACTYLISM. Identifiers: Orphanet 3258, MedGen C1859309, MONDO:0008931, OMIM 212780.
Sclerosteosis 2 (SOST2). Identifiers: Orphanet 3152, MedGen C3280402, MONDO:0013679, OMIM 614305.
Congenital myasthenic syndrome 17. Identifiers: Orphanet 590, MedGen C4225377, MONDO:0014578, OMIM 616304.

Allele frequency attached by ClinVar (database versions not stated): TOPMed 0.00001.
gnomAD v4.1: 8 of 1,614,096 alleles (0.0005%); highest among the groups gnomAD compares: South Asian, 0.0044%; no homozygotes.

Submission:

Labcorp Genetics (formerly Invitae), Labcorp
Classification: Uncertain significance for Cenani-Lenz syndactyly syndrome; Sclerosteosis 2; Congenital myasthenic syndrome 17. Last evaluated: 2021-12-06. Review status: criteria provided, single submitter. Criteria: Invitae Variant Classification Sherloc (09022015). Collection method: clinical testing. Allele origin: germline.
Comment: This sequence change replaces glutamic acid, which is acidic and polar, with lysine, which is basic and polar, at codon 413 of the LRP4 protein (p.Glu413Lys). This variant is present in population databases (no rsID available, gnomAD 0.003%). This variant has not been reported in the literature in individuals affected with LRP4-related conditions. Algorithms developed to predict the effect of missense changes on protein structure and function are either unavailable or do not agree on the potential impact of this missense change (SIFT: "Deleterious"; PolyPhen-2: "Benign"; Align-GVGD: "Class C0"). In summary, the available evidence is currently insufficient to determine the role of this variant in disease. Therefore, it has been classified as a Variant of Uncertain Significance.